The following is an entry in ClinVar:

ClinVar aggregate classification (germline): Uncertain significance (1 of 4 stars; one submission).

Conditions:
CDH11-related disorder. Also called: CDH11-related condition.

Submission:

PreventionGenetics, part of Exact Sciences
Classification: Uncertain significance for CDH11-related condition. Last evaluated: 2026-05-06. Review status: criteria provided, single submitter. Criteria: ACMG Guidelines, 2015. Collection method: clinical testing. Allele origin: germline.
Comment: The CDH11 c.224G>T variant is predicted to result in the amino acid substitution p.Gly75Val. To our knowledge, this variant has not been reported in the literature or in a large population database (gnomAD), indicating this variant is rare. At this time, the clinical significance of this variant is uncertain due to the absence of conclusive functional and genetic evidence.

NM_001797.4(CDH11):c.224G>T (p.Gly75Val)

Gene: CDH11 (cadherin 11; minus strand). Cytogenetic location: 16q21.
Variant type: single nucleotide variant.
Coding change: c.224G>T on transcript NM_001797.4 (MANE Select); coding-DNA position 224, G replaced by T.
Protein change: p.Gly75Val; replaces glycine 75 with valine.
Molecular consequence: missense variant. On other transcripts: intron variant (1).
Genome position (GRCh38, 1-based): chr16:65,004,646, C>A on the plus strand (G>T on the coding strand, the complement: CDH11 is on the minus strand). VCF-style: chr16-65004646-C-A. GRCh37 (hg19) VCF-style: chr16-65038549-C-A.
Other names: c.224G>T, p.Gly75Val (NM_001308392.2); c.-150-5790G>T (NM_001330576.2); short protein forms G75V.
Identifiers: ClinVar variation 4980773 (VCV004980773.1).